The following is an entry in ClinVar:

ClinVar aggregate classification (germline): Benign. Review status: criteria provided, multiple submitters, no conflicts (2 of 4 stars). 2 submissions from 2 submitters: Benign (2). Last evaluated 2018-06-14.

Allele frequency attached by ClinVar (database versions not stated): gnomAD exomes 0.01109; gnomAD 0.02789 and 0.02889; TOPMed 0.02935; 1000 Genomes Project 0.03275; 1000 Genomes Project 30x 0.03482.
gnomAD v4.1: 19,038 of 1,463,954 alleles (1.3%); highest among the groups gnomAD compares: African/African-American, 6.8%; 274 homozygotes.

Submissions (2):

GeneDx
Classification: Benign. Last evaluated: 2018-06-14. Review status: criteria provided, single submitter. Criteria: GeneDx Variant Classification (06012015). Collection method: clinical testing. Allele origin: germline. Affected: yes.
Comment: This variant is considered likely benign or benign based on one or more of the following criteria: it is a conservative change, it occurs at a poorly conserved position in the protein, it is predicted to be benign by multiple in silico algorithms, and/or has population frequency not consistent with disease.

Breakthrough Genomics
Classification: Benign. Review status: criteria provided, single submitter. Criteria: ACMG Guidelines, 2015. Collection method: not provided. Allele origin: germline. Inheritance: Autosomal recessive inheritance. Affected: yes.

NM_001267550.2(TTN):c.39973+73C>T

Gene: TTN (titin; minus strand). Cytogenetic location: 2q31.2.
Variant type: single nucleotide variant.
Coding change: c.39973+73C>T on transcript NM_001267550.2 (MANE Select); 73 bases into the intron after coding-DNA position 39973, C replaced by T.
Molecular consequence: intron variant.
Genome position (GRCh38, 1-based): chr2:178,649,481, G>A on the plus strand (C>T on the coding strand, the complement: TTN is on the minus strand). VCF-style: chr2-178649481-G-A. GRCh37 (hg19) VCF-style: chr2-179514208-G-A.
Other names: c.13283-7164C>T (NM_003319.4); c.13859-7164C>T (NM_133437.4); c.13658-7164C>T (NM_133432.3); c.32593+336C>T (NM_133378.4); c.35374+336C>T (NM_001256850.1).
Identifiers: ClinVar variation 675446 (VCV000675446.2), dbSNP rs116254094, ClinGen allele CA60966266.
Genomic context (GRCh38, chr2:178,649,481, plus strand): 5'-TTAAAATTAATGAAAGCAAAATAAGGAAATTTTTGTCCTTAGTTATGCAACAACAATGAG[G>A]ACAACTTATTGGATTCCACTTTAAGATATCAGAATACTTTCTTTTTTATGATGCCAACGA-3'